The following is an entry in ClinVar:

ClinVar aggregate classification (germline): Uncertain significance (1 of 4 stars; one submission).

Conditions:
Progressive myoclonic epilepsy type 5. Identifiers: Orphanet 402082, MedGen C5190799.

Allele frequency attached by ClinVar (database versions not stated): gnomAD exomes below 0.00001.
gnomAD v4.1: 6 of 1,614,064 alleles (0.00037%); highest among the groups gnomAD compares: South Asian, 0.0011%; no homozygotes.

Submission:

Labcorp Genetics (formerly Invitae), Labcorp
Classification: Uncertain significance for Progressive myoclonic epilepsy type 5. Last evaluated: 2021-06-03. Review status: criteria provided, single submitter. Criteria: Invitae Variant Classification Sherloc (09022015). Collection method: clinical testing. Allele origin: germline.
Comment: This sequence change replaces proline with leucine at codon 474 of the PRICKLE2 protein (p.Pro474Leu). The proline residue is highly conserved and there is a moderate physicochemical difference between proline and leucine. This variant is not present in population databases (ExAC no frequency). This variant has not been reported in the literature in individuals with PRICKLE2-related conditions. Algorithms developed to predict the effect of missense changes on protein structure and function are either unavailable or do not agree on the potential impact of this missense change (SIFT: "Deleterious"; PolyPhen-2: "Benign"; Align-GVGD: "Class C0"). In summary, the available evidence is currently insufficient to determine the role of this variant in disease. Therefore, it has been classified as a Variant of Uncertain Significance.

NM_198859.4(PRICKLE2):c.1421C>T (p.Pro474Leu)

Gene: PRICKLE2 (prickle planar cell polarity protein 2; minus strand). Cytogenetic location: 3p14.1.
Variant type: single nucleotide variant.
Coding change: c.1421C>T on transcript NM_198859.4 (MANE Select); coding-DNA position 1421, C replaced by T.
Protein change: p.Pro474Leu; replaces proline 474 with leucine.
Molecular consequence: missense variant.
Genome position (GRCh38, 1-based): chr3:64,147,069, G>A on the plus strand (C>T on the coding strand, the complement: PRICKLE2 is on the minus strand). VCF-style: chr3-64147069-G-A. GRCh37 (hg19) VCF-style: chr3-64132745-G-A.
Other names: c.1421C>T, p.Pro474Leu (NM_001370528.1); short protein forms P474L.
Identifiers: ClinVar variation 1378794 (VCV001378794.8), dbSNP rs1292913892, ClinGen allele CA353429535.